The following is an entry in ClinVar:

NM_000256.3(MYBPC3):c.2552C>T (p.Ala851Val)

Gene: MYBPC3 (myosin binding protein C3; minus strand). Cytogenetic location: 11p11.2.
Variant type: single nucleotide variant.
Coding change: c.2552C>T on transcript NM_000256.3 (MANE Select); coding-DNA position 2552, C replaced by T.
Protein change: p.Ala851Val; replaces alanine 851 with valine.
Molecular consequence: missense variant.
Genome position (GRCh38, 1-based): chr11:47,337,441, G>A on the plus strand (C>T on the coding strand, the complement: MYBPC3 is on the minus strand). VCF-style: chr11-47337441-G-A. GRCh37 (hg19) VCF-style: chr11-47358992-G-A.
Other names: p.Ala851Val; c.2552C>T, p.Ala851Val (LRG_386t1); short protein forms A851V.
Identifiers: ClinVar variation 217837 (VCV000217837.22), dbSNP rs774172488, ClinGen allele CA078807.

ClinVar aggregate classification (germline): Conflicting classifications of pathogenicity. Review status: criteria provided, conflicting classifications (1 of 4 stars). 9 submissions from 9 submitters: Uncertain significance (8); Likely benign (1). Last evaluated 2026-02-03.

Conditions:
MYBPC3-related disorder. Also called: MYBPC3-related condition; MYBPC3-related disease; MYBPC3-related disorders.
Cardiovascular phenotype. Identifiers: MedGen CN230736.
Hypertrophic cardiomyopathy 4. Also called: Familial hypertrophic cardiomyopathy 4. Identifiers: MedGen C1861862, MONDO:0007268, OMIM 115197.
Left ventricular noncompaction 10 (LVNC10). Identifiers: Orphanet 154, Orphanet 54260, MedGen C3715165, MONDO:0014163, OMIM 615396.
Cardiomyopathy (CMYO). Also called: Cardiomyopathies. Identifiers: Orphanet 167848, MedGen C0878544, MONDO:0004994, HP:0001638. Inheritance: Various modes of inheritance.
Hypertrophic cardiomyopathy 1 (CMH1). Also called: Familial hypertrophic cardiomyopathy 1; MYH7-Related Familial Hypertrophic Cardiomyopathy. Identifiers: MedGen C3495498, MONDO:0008647, OMIM 192600.
Hypertrophic cardiomyopathy. Also called: HYPERTROPHIC MYOCARDIOPATHY. Identifiers: Orphanet 217569, MedGen C0007194, MeSH D002312, MONDO:0005045, HP:0001639.

Allele frequency attached by ClinVar (database versions not stated): gnomAD exomes 0.00006; ExAC 0.00007; gnomAD 0.00004; TOPMed 0.00005.
gnomAD v4.1: 120 of 1,611,832 alleles (0.0074%); highest among the groups gnomAD compares: Non-Finnish European, 0.0092%; no homozygotes.

Submissions (9):

Labcorp Genetics (formerly Invitae), Labcorp
Classification: Uncertain significance for Hypertrophic cardiomyopathy. Last evaluated: 2026-02-03. Review status: criteria provided, single submitter. Criteria: Invitae Variant Classification Sherloc (09022015). Collection method: clinical testing. Allele origin: germline.
Comment: This sequence change replaces alanine, which is neutral and non-polar, with valine, which is neutral and non-polar, at codon 851 of the MYBPC3 protein (p.Ala851Val). The frequency data for this variant in the population databases is considered unreliable, as metrics indicate poor data quality at this position in the gnomAD database. This missense change has been observed in individual(s) with cardiomyopathy (PMID: 32841044, 35653365). ClinVar contains an entry for this variant (Variation ID: 217837). An algorithm developed to predict the effect of missense changes on protein structure and function (PolyPhen-2) suggests that this variant is likely to be disruptive. In summary, the available evidence is currently insufficient to determine the role of this variant in disease. Therefore, it has been classified as a Variant of Uncertain Significance.

PreventionGenetics, part of Exact Sciences
Classification: Uncertain significance for MYBPC3-related condition. Last evaluated: 2025-12-30. Review status: criteria provided, single submitter. Criteria: ACMG Guidelines, 2015. Collection method: clinical testing. Allele origin: germline.
Comment: The MYBPC3 c.2552C>T variant is predicted to result in the amino acid substitution p.Ala851Val. This variant has been reported in the compound heterozygous state with a pathogenic variant in an individual with a personal and family history of hypertrophic cardiomyopathy (Ingles et al. 2005. PMID: 16199542). It has also been observed in cohort studies of individuals with cardiomyopathy or T-wave inversion (Supplementary Table S10, Stava et al. 2022. PMID: 35653365; Supplemental Table 3, Sheikh et al. 2018. PubMed ID: 29764897; Supplemental Table 3, Helms et al. 2020. PubMed ID: 32841044). The variant is present in 0.014% of alleles in individuals of Latino descent in gnomAD and is currently classified as a variant of uncertain significance in ClinVar (Variation ID: 217837). At this time, the clinical significance of this variant remains uncertain due to the lack of conclusive functional and genetic evidence.

Ambry Genetics
Classification: Uncertain significance for Cardiovascular phenotype. Last evaluated: 2025-10-17. Review status: criteria provided, single submitter. Criteria: Ambry Variant Classification Scheme 2023. Collection method: clinical testing. Allele origin: germline.
Comment: The c.2552C>T (p.A851V) alteration is located in exon 25 (coding exon 25) of the MYBPC3 gene. This alteration results from a C to T substitution at nucleotide position 2552, causing the alanine (A) at amino acid position 851 to be replaced by a valine (V). Based on data from gnomAD, the T allele has an overall frequency of 0.006% (17/277812) total alleles studied. The highest observed frequency was 0.014% (5/35314) of Latino alleles. Based on insufficient or conflicting evidence, the clinical significance of this alteration remains unclear.

All of Us Research Program, National Institutes of Health
Classification: Uncertain significance for Hypertrophic cardiomyopathy. Last evaluated: 2024-09-23. Review status: criteria provided, single submitter. Criteria: ACMG Guidelines, 2015. Collection method: clinical testing. Allele origin: germline. Inheritance: Autosomal dominant inheritance. Observed: 17 variant alleles, 17 heterozygotes.
Comment: This missense variant replaces alanine with valine at codon 851 of the MYBPC3 protein. Computational prediction suggests that this variant may not impact protein structure and function (internally defined REVEL score threshold <= 0.5, PMID: 27666373). To our knowledge, functional studies have not been reported for this variant. This variant has been reported in two individuals affected with severe hypertrophic cardiomyopathy (PMID: 16199542, 21839045). Both of these individuals also carried a pathogenic variant (p.Glu542Gln) in the same gene. This variant has been identified in 17/277812 chromosomes in the general population by the Genome Aggregation Database (gnomAD). The available evidence is insufficient to determine the role of this variant in disease conclusively. Therefore, this variant is classified as a Variant of Uncertain Significance.

This study involves interpretation of variants in research participants for the purpose of population health screening. Participant phenotype was not available at the time of variant classification. Additional details can be found in publication PMID: 35346344, PMCID: PMC8962531

Color Diagnostics, LLC DBA Color Health
Classification: Uncertain significance for Cardiomyopathy. Last evaluated: 2024-04-10. Review status: criteria provided, single submitter. Criteria: ACMG Guidelines, 2015. Collection method: clinical testing. Allele origin: germline.
Comment: This missense variant replaces alanine with valine at codon 851 of the MYBPC3 protein. Computational prediction tools indicate that this variant has a neutral impact on protein structure and function. To our knowledge, functional studies have not been reported for this variant. This variant has been reported in two individuals affected with severe hypertrophic cardiomyopathy (PMID: 16199542, 18761664, 21839045, 25335496, 26332198, 32841044, 33782553). Both of these individuals also carried a different pathogenic variant (p.Glu542Gln) in the same gene. This variant has also been reported in one individual affected with T-wave inversion (PMID: 29764897). This variant has been identified in 17/277812 chromosomes in the general population by the Genome Aggregation Database (gnomAD). The available evidence is insufficient to determine the role of this variant in disease conclusively. Therefore, this variant is classified as a Variant of Uncertain Significance.

Mayo Clinic Laboratories, Mayo Clinic
Classification: Uncertain significance. Last evaluated: 2023-09-12. Review status: criteria provided, single submitter. Criteria: ACMG Guidelines, 2015. Collection method: clinical testing. Allele origin: germline. Observed: 1 variant allele.
Comment: BP4, PS4_supporting

Blueprint Genetics
Classification: Likely benign. Last evaluated: 2023-07-17. Review status: criteria provided, single submitter. Criteria: ACMG Guidelines, 2015. Collection method: clinical testing. Allele origin: germline.

Fulgent Genetics
Classification: Uncertain significance for Hypertrophic cardiomyopathy 4; Left ventricular noncompaction 10. Last evaluated: 2021-07-26. Review status: criteria provided, single submitter. Criteria: ACMG Guidelines, 2015. Collection method: clinical testing. Allele origin: unknown.

Agnes Ginges Centre for Molecular Cardiology, Centenary Institute
Classification: Uncertain significance for Hypertrophic cardiomyopathy 1. Last evaluated: 2015-06-30. Review status: criteria provided, single submitter. Criteria: Agnes Ginges Centre for Molecular Cardiology criteria (2015). Collection method: research. Allele origin: germline. Inheritance: Autosomal dominant inheritance. Affected: yes.
Comment: The MYBPC3 Ala851Val is a rare variant with an allele frequency of 0.00006771 in the Exome Aggregation Consortium dataset. This variant has not been previously reported in the literature or observed in other HCM cases other than described in our proband (Ingles J. et al., 2005). We cannot however, exclude that MYBPC3 Ala851Val alone does not cause HCM or that it is a possible modifier of disease. Therefore, we classify MYBPC3 Ala851Val as a variant of "uncertain significance".

Literature cited by the submitters: PubMed 32841044 (cited by Labcorp Genetics (formerly Invitae), Labcorp and Color Diagnostics, LLC DBA Color Health); PubMed 35653365 (cited by Labcorp Genetics (formerly Invitae), Labcorp); PubMed 16199542 (cited by 4 submitters); PubMed 21839045 (cited by 3 submitters); PubMed 18761664 (cited by Color Diagnostics, LLC DBA Color Health); PubMed 25335496 (cited by Color Diagnostics, LLC DBA Color Health); PubMed 26332198 (cited by Color Diagnostics, LLC DBA Color Health); PubMed 29764897 (cited by Color Diagnostics, LLC DBA Color Health and Mayo Clinic Laboratories, Mayo Clinic); PubMed 33782553 (cited by Color Diagnostics, LLC DBA Color Health).